The following is an entry in ClinVar:

NM_000059.4(BRCA2):c.9639C>A (p.Asn3213Lys)

Gene: BRCA2 (BRCA2 DNA repair associated; plus strand). Cytogenetic location: 13q13.1.
Variant type: single nucleotide variant.
Coding change: c.9639C>A on transcript NM_000059.4 (MANE Select); coding-DNA position 9639, C replaced by A.
Protein change: p.Asn3213Lys; replaces asparagine 3213 with lysine.
Molecular consequence: missense variant.
Genome position (GRCh38, 1-based): chr13:32,397,035, C>A. VCF-style: chr13-32397035-C-A. GRCh37 (hg19) VCF-style: chr13-32971172-C-A.
Other names: short protein forms N3213K.
Identifiers: ClinVar variation 838451 (VCV000838451.11), dbSNP rs876658460, ClinGen allele CA387763796.

ClinVar aggregate classification (germline): Uncertain significance. Review status: criteria provided, multiple submitters, no conflicts (2 of 4 stars). 2 submissions from 2 submitters: Uncertain significance (2). Last evaluated 2024-07-18.

Conditions:
Hereditary breast ovarian cancer syndrome. Also called: Hereditary breast and ovarian cancer syndrome (HBOC); Hereditary breast and ovarian cancer; Hereditary breast and/or ovarian cancer syndrome; Hereditary breast and ovarian cancer syndrome; Breast and ovarian cancer; BRCA1- and BRCA2-Associated Hereditary Breast and Ovarian Cancer. Identifiers: Orphanet 145, MedGen C0677776, MeSH D061325, MONDO:0003582. Disease mechanism: loss of function.
Hereditary cancer-predisposing syndrome. Also called: Neoplastic Syndromes, Hereditary; Tumor predisposition; Hereditary neoplastic syndrome; Hereditary Cancer Syndrome. Identifiers: Orphanet 140162, MedGen C0027672, MeSH D009386, MONDO:0015356.

Submissions (2):

Ambry Genetics
Classification: Uncertain significance for Hereditary cancer-predisposing syndrome. Last evaluated: 2024-07-18. Review status: criteria provided, single submitter. Criteria: Ambry Variant Classification Scheme 2023. Collection method: clinical testing. Allele origin: germline.
Comment: The p.N3213K variant (also known as c.9639C>A), located in coding exon 25 of the BRCA2 gene, results from a C to A substitution at nucleotide position 9639. The asparagine at codon 3213 is replaced by lysine, an amino acid with similar properties. This amino acid position is conserved. In addition, this alteration is predicted to be tolerated by in silico analysis. Based on the available evidence, the clinical significance of this variant remains unclear.

Labcorp Genetics (formerly Invitae), Labcorp
Classification: Uncertain significance for Hereditary breast ovarian cancer syndrome. Last evaluated: 2022-08-29. Review status: criteria provided, single submitter. Criteria: Invitae Variant Classification Sherloc (09022015). Collection method: clinical testing. Allele origin: germline.
Comment: In summary, the available evidence is currently insufficient to determine the role of this variant in disease. Therefore, it has been classified as a Variant of Uncertain Significance. Advanced modeling of protein sequence and biophysical properties (such as structural, functional, and spatial information, amino acid conservation, physicochemical variation, residue mobility, and thermodynamic stability) performed at Invitae indicates that this missense variant is not expected to disrupt BRCA2 protein function. ClinVar contains an entry for this variant (Variation ID: 838451). This variant has not been reported in the literature in individuals affected with BRCA2-related conditions. This variant is not present in population databases (gnomAD no frequency). This sequence change replaces asparagine, which is neutral and polar, with lysine, which is basic and polar, at codon 3213 of the BRCA2 protein (p.Asn3213Lys).